The following is an entry in ClinVar:

NM_001378477.3(NYX):c.930C>G (p.Thr310=)

Gene: NYX (nyctalopin; plus strand). Cytogenetic location: Xp11.4.
Variant type: single nucleotide variant.
Coding change: c.930C>G on transcript NM_001378477.3 (MANE Select); coding-DNA position 930, C replaced by G.
Protein change: p.Thr310=; no amino-acid change (threonine 310 retained).
Molecular consequence: synonymous variant.
Genome position (GRCh38, 1-based): chrX:41,474,398, C>G. VCF-style: chrX-41474398-C-G. GRCh37 (hg19) VCF-style: chrX-41333651-C-G.
Other names: c.930C>G, p.Thr310= (NM_022567.3); c.945C>G (NM_022567.2).
Identifiers: ClinVar variation 3703532 (VCV003703532.4).

ClinVar aggregate classification (germline): Likely benign. Review status: criteria provided, multiple submitters, no conflicts (2 of 4 stars). 3 submissions from 3 submitters: Likely benign (3). Last evaluated 2025-03-19.

Conditions:
NYX-related disorder. Also called: NYX-related condition.

gnomAD v4.1: 6 of 1,206,684 alleles (0.0005%); highest among the groups gnomAD compares: African/African-American, 0.0017%; no homozygotes.

Submissions (3):

PreventionGenetics, part of Exact Sciences
Classification: Likely benign for NYX-related condition. Last evaluated: 2025-03-19. Review status: criteria provided, single submitter. Criteria: ACMG Guidelines, 2015. Collection method: clinical testing. Allele origin: germline.
Comment: This variant is classified as likely benign based on ACMG/AMP sequence variant interpretation guidelines (Richards et al. 2015 PMID: 25741868, with internal and published modifications).

Labcorp Genetics (formerly Invitae), Labcorp
Classification: Likely benign. Last evaluated: 2024-09-16. Review status: criteria provided, single submitter. Criteria: Invitae Variant Classification Sherloc (09022015). Collection method: clinical testing. Allele origin: germline.

Blueprint Genetics
Classification: Likely benign. Last evaluated: 2021-09-17. Review status: criteria provided, single submitter. Criteria: ACMG Guidelines, 2015. Collection method: clinical testing. Allele origin: germline.